The following is an entry in ClinVar:

ClinVar aggregate classification (germline): Uncertain significance (1 of 4 stars; one submission).

Conditions:
Peroxisome biogenesis disorder 2B (PBD2B). Identifiers: Orphanet 44, MedGen C3550234, MONDO:0008736, OMIM 202370.

Allele frequency attached by ClinVar (database versions not stated): gnomAD exomes below 0.00001; TOPMed below 0.00001.

Submission:

Labcorp Genetics (formerly Invitae), Labcorp
Classification: Uncertain significance for Peroxisome biogenesis disorder 2B. Last evaluated: 2021-11-15. Review status: criteria provided, single submitter. Criteria: Invitae Variant Classification Sherloc (09022015). Collection method: clinical testing. Allele origin: germline.
Comment: In summary, the available evidence is currently insufficient to determine the role of this variant in disease. Therefore, it has been classified as a Variant of Uncertain Significance. Algorithms developed to predict the effect of missense changes on protein structure and function (SIFT, PolyPhen-2, Align-GVGD) all suggest that this variant is likely to be disruptive. This variant has not been reported in the literature in individuals affected with PEX5-related conditions. This variant is not present in population databases (gnomAD no frequency). This sequence change replaces alanine, which is neutral and non-polar, with threonine, which is neutral and polar, at codon 530 of the PEX5 protein (p.Ala530Thr).

NM_001351132.2(PEX5):c.1588G>A (p.Ala530Thr)

Gene: PEX5 (peroxisomal biogenesis factor 5; plus strand). Cytogenetic location: 12p13.31.
Variant type: single nucleotide variant.
Coding change: c.1588G>A on transcript NM_001351132.2 (MANE Select); coding-DNA position 1588, G replaced by A.
Protein change: p.Ala530Thr; replaces alanine 530 with threonine.
Molecular consequence: missense variant.
Genome position (GRCh38, 1-based): chr12:7,209,710, G>A. VCF-style: chr12-7209710-G-A. GRCh37 (hg19) VCF-style: chr12-7362306-G-A.
Other names: c.1564G>A, p.Ala522Thr (NM_000319.5); c.1633G>A, p.Ala545Thr (NM_001131023.2); c.1588G>A, p.Ala530Thr (NM_001351133.2, NM_001351134.2, NM_001131025.2 and 4 more transcripts); c.1522G>A, p.Ala508Thr (NM_001351135.3, NM_001351138.2); c.1579G>A, p.Ala527Thr (NM_001351136.2); c.1477G>A, p.Ala493Thr (NM_001351137.3, NM_001131024.2, NM_001351124.3 and 7 more transcripts); c.1453G>A, p.Ala485Thr (NM_001351139.2, NM_001351140.2, NM_001374649.2); short protein forms A508T, A485T, A493T, A527T, A522T, A530T, A545T.
Identifiers: ClinVar variation 1393564 (VCV001393564.6), dbSNP rs1591804566, ClinGen allele CA383737815.